The following is an entry in ClinVar:

ClinVar aggregate classification (germline): Likely pathogenic (1 of 4 stars; one submission).

Conditions:
EGFR-related lung cancer (EGFR). Identifiers: MedGen CN130014.

Submission:

Labcorp Genetics (formerly Invitae), Labcorp
Classification: Likely pathogenic for EGFR-related lung cancer. Last evaluated: 2021-09-27. Review status: criteria provided, single submitter. Criteria: Invitae Variant Classification Sherloc (09022015). Collection method: clinical testing. Allele origin: germline.
Comment: In summary, the currently available evidence indicates that the variant is pathogenic, but additional data are needed to prove that conclusively. Therefore, this variant has been classified as Likely Pathogenic. Algorithms developed to predict the effect of sequence changes on RNA splicing suggest that this variant may disrupt the consensus splice site. This variant has not been reported in the literature in individuals affected with EGFR-related conditions. This variant is not present in population databases (ExAC no frequency). This sequence change affects an acceptor splice site in intron 8 of the EGFR gene. It is expected to disrupt RNA splicing. Variants that disrupt the donor or acceptor splice site typically lead to a loss of protein function (PMID: 16199547), and loss-of-function variants in EGFR are known to be pathogenic (PMID: 7630400, 28726809, 29899996).

Literature cited by the submitters: PubMed 16199547; PubMed 7630400; PubMed 28726809; PubMed 29899996.

NM_005228.5(EGFR):c.1007-1G>A

Genes: EGFR (epidermal growth factor receptor; plus strand), LOC126860048 (P300/CBP strongly-dependent group 1 enhancer GRCh37_chr7:55223847-55225046; plus strand). Cytogenetic location: 7p11.2.
Variant type: single nucleotide variant.
Coding change: c.1007-1G>A on transcript NM_005228.5 (MANE Select); the canonical splice acceptor site of the intron before coding-DNA position 1007, G replaced by A.
Molecular consequence: splice acceptor variant.
Genome position (GRCh38, 1-based): chr7:55,156,532, G>A. VCF-style: chr7-55156532-G-A. GRCh37 (hg19) VCF-style: chr7-55224225-G-A.
Other names: c.872-1G>A (NM_001346899.2, NM_001346897.2); c.206-1G>A (NM_001346941.2); c.1007-1G>A (NM_001346898.2, NM_201284.2, NM_201282.2 and 1 more transcripts); c.848-1G>A (NM_001346900.2).
Identifiers: ClinVar variation 1465036 (VCV001465036.6), dbSNP rs2128938137, ClinGen allele CA367578179.